The following is an entry in ClinVar:

NM_006648.4(WNK2):c.6348C>A (p.Asn2116Lys)

Gene: WNK2 (WNK lysine deficient protein kinase 2; plus strand). Cytogenetic location: 9q22.31.
Variant type: single nucleotide variant.
Coding change: c.6348C>A on transcript NM_006648.4 (MANE Select); coding-DNA position 6348, C replaced by A.
Protein change: p.Asn2116Lys; replaces asparagine 2116 with lysine.
Molecular consequence: missense variant.
Genome position (GRCh38, 1-based): chr9:93,308,416, C>A. VCF-style: chr9-93308416-C-A. GRCh37 (hg19) VCF-style: chr9-96070698-C-A.
Other names: c.6459C>A, p.Asn2153Lys (NM_001282394.3); short protein forms N2116K, N2153K.
Identifiers: ClinVar variation 3816967 (VCV003816967.1).

ClinVar aggregate classification (germline): Uncertain significance (1 of 4 stars; one submission).

gnomAD v4.1: 1 of 1,602,420 alleles (0.000062%); highest among the groups gnomAD compares: Non-Finnish European, 0.000085%; no homozygotes.

Submission:

Ambry Genetics
Classification: Uncertain significance. Last evaluated: 2025-02-02. Review status: criteria provided, single submitter. Criteria: Ambry Variant Classification Scheme 2023. Collection method: clinical testing. Allele origin: germline.
Comment: The p.N2116K variant (also known as c.6348C>A), located in coding exon 27 of the WNK2 gene, results from a C to A substitution at nucleotide position 6348. The asparagine at codon 2116 is replaced by lysine, an amino acid with similar properties. This amino acid position is conserved. In addition, this alteration is predicted to be tolerated by in silico analysis. Based on the available evidence, the clinical significance of this variant remains unclear.